The following is an entry in ClinVar:

ClinVar aggregate classification (germline): Uncertain significance. Review status: criteria provided, multiple submitters, no conflicts (2 of 4 stars). 2 submissions from 2 submitters: Uncertain significance (2). Last evaluated 2025-10-07.

Conditions:
Inborn genetic diseases. Identifiers: MedGen C0950123, MeSH D030342.
Charcot-Marie-Tooth disease axonal type 2C (HMSN2C). Also called: Charcot-Marie-Tooth Disease Type 2, TRPV4-Related (CMT2C); CHARCOT-MARIE-TOOTH DISEASE, AXONAL, AUTOSOMAL DOMINANT, TYPE 2C; Charcot-Marie-Tooth Neuropathy Type 2C. Identifiers: Orphanet 99937, MedGen C1853710, MONDO:0011633, OMIM 606071.

Allele frequency attached by ClinVar (database versions not stated): gnomAD exomes below 0.00001.
gnomAD v4.1: 4 of 1,614,020 alleles (0.00025%); highest among the groups gnomAD compares: Non-Finnish European, 0.00034%; no homozygotes.

Submissions (2):

Ambry Genetics
Classification: Uncertain significance for Inborn genetic diseases. Last evaluated: 2025-10-07. Review status: criteria provided, single submitter. Criteria: Ambry Variant Classification Scheme 2023. Collection method: clinical testing. Allele origin: germline.

Labcorp Genetics (formerly Invitae), Labcorp
Classification: Uncertain significance for Charcot-Marie-Tooth disease axonal type 2C. Last evaluated: 2022-06-16. Review status: criteria provided, single submitter. Criteria: Invitae Variant Classification Sherloc (09022015). Collection method: clinical testing. Allele origin: germline.
Comment: This sequence change replaces isoleucine, which is neutral and non-polar, with phenylalanine, which is neutral and non-polar, at codon 127 of the TRPV4 protein (p.Ile127Phe). In summary, the available evidence is currently insufficient to determine the role of this variant in disease. Therefore, it has been classified as a Variant of Uncertain Significance. Advanced modeling of protein sequence and biophysical properties (such as structural, functional, and spatial information, amino acid conservation, physicochemical variation, residue mobility, and thermodynamic stability) performed at Invitae indicates that this missense variant is not expected to disrupt TRPV4 protein function. ClinVar contains an entry for this variant (Variation ID: 1051216). This variant has not been reported in the literature in individuals affected with TRPV4-related conditions. This variant is not present in population databases (gnomAD no frequency).

NM_021625.5(TRPV4):c.379A>T (p.Ile127Phe)

Gene: TRPV4 (transient receptor potential cation channel subfamily V member 4; minus strand). Cytogenetic location: 12q24.11.
Variant type: single nucleotide variant.
Coding change: c.379A>T on transcript NM_021625.5 (MANE Select); coding-DNA position 379, A replaced by T.
Protein change: p.Ile127Phe; replaces isoleucine 127 with phenylalanine.
Molecular consequence: missense variant.
Genome position (GRCh38, 1-based): chr12:109,814,418, T>A on the plus strand (A>T on the coding strand, the complement: TRPV4 is on the minus strand). VCF-style: chr12-109814418-T-A. GRCh37 (hg19) VCF-style: chr12-110252223-T-A.
Other names: c.379A>T, p.Ile127Phe (NM_001177428.2, NM_001177433.2, NM_147204.3); c.277A>T, p.Ile93Phe (NM_001177431.2); short protein forms I127F, I93F.
Identifiers: ClinVar variation 1051216 (VCV001051216.12), dbSNP rs1367833016, ClinGen allele CA386659472.